The following is an entry in ClinVar:

NM_000548.5(TSC2):c.713T>C (p.Leu238Pro)

Gene: TSC2 (TSC complex subunit 2; plus strand). Cytogenetic location: 16p13.3.
Variant type: single nucleotide variant.
Coding change: c.713T>C on transcript NM_000548.5 (MANE Select); coding-DNA position 713, T replaced by C.
Protein change: p.Leu238Pro; replaces leucine 238 with proline.
Molecular consequence: missense variant.
Genome position (GRCh38, 1-based): chr16:2,056,708, T>C. VCF-style: chr16-2056708-T-C. GRCh37 (hg19) VCF-style: chr16-2106709-T-C.
Other names: c.713T>C, p.Leu238Pro (NM_021055.3, NM_001077183.3, NM_001114382.3 and 3 more transcripts); c.602T>C, p.Leu201Pro (NM_001318827.2); c.566T>C, p.Leu189Pro (NM_001318829.2); c.113T>C, p.Leu38Pro (NM_001318831.2); c.746T>C, p.Leu249Pro (NM_001318832.2); short protein forms L201P, L38P, L189P, L249P, L238P.
Identifiers: ClinVar variation 653663 (VCV000653663.16), dbSNP rs768623382, ClinGen allele CA056191.

ClinVar aggregate classification (germline): Conflicting classifications of pathogenicity. Review status: criteria provided, conflicting classifications (1 of 4 stars). 4 submissions from 4 submitters: Uncertain significance (3); Benign (1). Last evaluated 2025-04-17.

Conditions:
Tuberous sclerosis 2 (TSC2). Identifiers: Orphanet 805, MedGen C1860707, MONDO:0013199, OMIM 613254.
Hereditary cancer-predisposing syndrome. Also called: Neoplastic Syndromes, Hereditary; Hereditary neoplastic syndrome; Hereditary Cancer Syndrome; Tumor predisposition. Identifiers: Orphanet 140162, MedGen C0027672, MeSH D009386, MONDO:0015356.
Tuberous sclerosis syndrome (TSC). Also called: Tuberous sclerosis; Tuberous Sclerosis Complex. Identifiers: Orphanet 805, MedGen C0041341, MONDO:0001734.

Allele frequency attached by ClinVar (database versions not stated): gnomAD exomes below 0.00001; ExAC 0.00001; gnomAD 0.00001; TOPMed 0.00001.

Submissions (4):

Labcorp Genetics (formerly Invitae), Labcorp
Classification: Benign for Tuberous sclerosis 2. Last evaluated: 2025-04-17. Review status: criteria provided, single submitter. Criteria: Invitae Variant Classification Sherloc (09022015). Collection method: clinical testing. Allele origin: germline.

Ambry Genetics
Classification: Uncertain significance for Hereditary cancer-predisposing syndrome. Last evaluated: 2024-06-12. Review status: criteria provided, single submitter. Criteria: Ambry Variant Classification Scheme 2023. Collection method: clinical testing. Allele origin: germline.
Comment: The p.L238P variant (also known as c.713T>C), located in coding exon 7 of the TSC2 gene, results from a T to C substitution at nucleotide position 713. The leucine at codon 238 is replaced by proline, an amino acid with similar properties. This amino acid position is well conserved in available vertebrate species. In addition, the in silico prediction for this alteration is inconclusive. Based on the available evidence, the clinical significance of this variant remains unclear.

All of Us Research Program, National Institutes of Health
Classification: Uncertain significance for Tuberous sclerosis syndrome. Last evaluated: 2023-10-06. Review status: criteria provided, single submitter. Criteria: ACMG Guidelines, 2015. Collection method: clinical testing. Allele origin: germline. Inheritance: Autosomal dominant inheritance. Observed: 1 variant allele, 1 heterozygote.
Comment: This missense variant replaces leucine with proline at codon 238 of the TSC2 protein. Computational prediction is inconclusive regarding the impact of this variant on protein structure and function (internally defined REVEL score threshold 0.5 < inconclusive < 0.7, PMID: 27666373). To our knowledge, functional studies have not been reported for this variant. This variant has not been reported in individuals affected with tuberous sclerosis complex in the literature. This variant has been identified in 1/250378 chromosomes in the general population by the Genome Aggregation Database (gnomAD). The available evidence is insufficient to determine the role of this variant in disease conclusively. Therefore, this variant is classified as a Variant of Uncertain Significance.

This study involves interpretation of variants in research participants for the purpose of population health screening. Participant phenotype was not available at the time of variant classification. Additional details can be found in publication PMID: 35346344, PMCID: PMC8962531

Genome-Nilou Lab
Classification: Uncertain significance for Tuberous sclerosis 2. Last evaluated: 2021-11-07. Review status: criteria provided, single submitter. Criteria: ACMG Guidelines, 2015. Collection method: clinical testing. Allele origin: germline. Affected: no.